The following is an entry in ClinVar:

ClinVar aggregate classification (germline): Uncertain significance (1 of 4 stars; one submission).

Submission:

Labcorp Genetics (formerly Invitae), Labcorp
Classification: Uncertain significance. Last evaluated: 2022-10-09. Review status: criteria provided, single submitter. Criteria: Invitae Variant Classification Sherloc (09022015). Collection method: clinical testing. Allele origin: germline.
Comment: In summary, the available evidence is currently insufficient to determine the role of this variant in disease. Therefore, it has been classified as a Variant of Uncertain Significance. Advanced modeling of protein sequence and biophysical properties (such as structural, functional, and spatial information, amino acid conservation, physicochemical variation, residue mobility, and thermodynamic stability) performed at Invitae indicates that this missense variant is not expected to disrupt COL9A2 protein function. This variant has not been reported in the literature in individuals affected with COL9A2-related conditions. This variant is not present in population databases (gnomAD no frequency). This sequence change replaces proline, which is neutral and non-polar, with leucine, which is neutral and non-polar, at codon 110 of the COL9A2 protein (p.Pro110Leu).

NM_001852.4(COL9A2):c.329C>T (p.Pro110Leu)

Genes: COL9A2 (collagen type IX alpha 2 chain; minus strand), LOC129930257 (ATAC-STARR-seq lymphoblastoid active region 840; plus strand). Cytogenetic location: 1p34.2.
Variant type: single nucleotide variant.
Coding change: c.329C>T on transcript NM_001852.4 (MANE Select); coding-DNA position 329, C replaced by T.
Protein change: p.Pro110Leu; replaces proline 110 with leucine.
Molecular consequence: missense variant.
Genome position (GRCh38, 1-based): chr1:40,312,584, G>A on the plus strand (C>T on the coding strand, the complement: COL9A2 is on the minus strand). VCF-style: chr1-40312584-G-A. GRCh37 (hg19) VCF-style: chr1-40778256-G-A.
Other names: short protein forms P110L.
Identifiers: ClinVar variation 2093882 (VCV002093882.4), dbSNP rs2522561091, ClinGen allele CA339857165.